The following is an entry in ClinVar:

NM_001040108.2(MLH3):c.1493A>G (p.Glu498Gly)

Gene: MLH3 (mutL homolog 3; minus strand). Cytogenetic location: 14q24.3.
Variant type: single nucleotide variant.
Coding change: c.1493A>G on transcript NM_001040108.2 (MANE Select); coding-DNA position 1493, A replaced by G.
Protein change: p.Glu498Gly; replaces glutamic acid 498 with glycine.
Molecular consequence: missense variant.
Genome position (GRCh38, 1-based): chr14:75,048,163, T>C on the plus strand (A>G on the coding strand, the complement: MLH3 is on the minus strand). VCF-style: chr14-75048163-T-C. GRCh37 (hg19) VCF-style: chr14-75514866-T-C.
Other names: c.1493A>G, p.Glu498Gly (NM_014381.3); short protein forms E498G.
Identifiers: ClinVar variation 999870 (VCV000999870.8), dbSNP rs1892394467, ClinGen allele CA390445354.
Genomic context (GRCh38, chr14:75,048,163, plus strand): 5'-AAGTGACATGGTGTCTGAAAAGGGCTTAAAAACATTTCTAAACTGGTTCCACACGGATTT[T>C]CTAAAGAGCTATGTTCCAGGAAAGATTTTTTATGTTTCTCATTTTCTCCAGCTTCTGATG-3'
Protein context (NP_001035197.1, residues 488-508): KKSFLEHSSL[Glu498Gly]NPCGTSLEMF

ClinVar aggregate classification (germline): Uncertain significance (1 of 4 stars; one submission).

Conditions:
Colorectal cancer, hereditary nonpolyposis, type 7. Identifiers: Orphanet 144, MedGen C1858380, MONDO:0013725, OMIM 614385.

Allele frequency attached by ClinVar (database versions not stated): gnomAD exomes below 0.00001.
gnomAD v4.1: 5 of 1,614,148 alleles (0.00031%); highest among the groups gnomAD compares: African/African-American, 0.004%; no homozygotes.

Submission:

Labcorp Genetics (formerly Invitae), Labcorp
Classification: Uncertain significance for Colorectal cancer, hereditary nonpolyposis, type 7. Last evaluated: 2020-05-28. Review status: criteria provided, single submitter. Criteria: Invitae Variant Classification Sherloc (09022015). Collection method: clinical testing. Allele origin: germline.
Comment: In summary, the available evidence is currently insufficient to determine the role of this variant in disease. Therefore, it has been classified as a Variant of Uncertain Significance. Algorithms developed to predict the effect of missense changes on protein structure and function output the following: SIFT: "Tolerated"; PolyPhen-2: "Benign"; Align-GVGD: "Class C0". The glycine amino acid residue is found in multiple mammalian species, suggesting that this missense change does not adversely affect protein function. These predictions have not been confirmed by published functional studies and their clinical significance is uncertain. This variant has not been reported in the literature in individuals with MLH3-related conditions. This variant is not present in population databases (ExAC no frequency). This sequence change replaces glutamic acid with glycine at codon 498 of the MLH3 protein (p.Glu498Gly). The glutamic acid residue is weakly conserved and there is a moderate physicochemical difference between glutamic acid and glycine.